The following is an entry in ClinVar:

NM_006514.4(SCN10A):c.1817G>A (p.Arg606Gln)

Gene: SCN10A (sodium voltage-gated channel alpha subunit 10; minus strand). Cytogenetic location: 3p22.2.
Variant type: single nucleotide variant.
Coding change: c.1817G>A on transcript NM_006514.4 (MANE Select); coding-DNA position 1817, G replaced by A.
Protein change: p.Arg606Gln; replaces arginine 606 with glutamine.
Molecular consequence: missense variant.
Genome position (GRCh38, 1-based): chr3:38,750,123, C>T on the plus strand (G>A on the coding strand, the complement: SCN10A is on the minus strand). VCF-style: chr3-38750123-C-T. GRCh37 (hg19) VCF-style: chr3-38791614-C-T.
Other names: c.1817G>A, p.Arg606Gln (NM_001293306.2); c.1523G>A, p.Arg508Gln (NM_001293307.2); short protein forms R508Q, R606Q.
Identifiers: ClinVar variation 937704 (VCV000937704.8), dbSNP rs367548480, ClinGen allele CA2320742.

ClinVar aggregate classification (germline): Conflicting classifications of pathogenicity. Review status: criteria provided, conflicting classifications (1 of 4 stars). 3 submissions from 3 submitters: Uncertain significance (2); Likely benign (1). Last evaluated 2025-11-10.

Conditions:
Cardiovascular phenotype. Identifiers: MedGen CN230736.
Brugada syndrome. Also called: Sudden unexplained nocturnal death syndrome; Sudden unexpected nocturnal death syndrome; Sudden Unexplained Death Syndrome; Sudden Unexplained Nocturnal Death Syndrome (SUNDS). Identifiers: Orphanet 130, MedGen C1142166, MONDO:0015263.

Allele frequency attached by ClinVar (database versions not stated): TOPMed 0.00002.
gnomAD v4.1: 24 of 1,612,982 alleles (0.0015%); highest among the groups gnomAD compares: East Asian, 0.013%; no homozygotes.

Submissions (3):

Labcorp Genetics (formerly Invitae), Labcorp
Classification: Uncertain significance for Brugada syndrome. Last evaluated: 2025-11-10. Review status: criteria provided, single submitter. Criteria: Invitae Variant Classification Sherloc (09022015). Collection method: clinical testing. Allele origin: germline.
Comment: This sequence change replaces arginine, which is basic and polar, with glutamine, which is neutral and polar, at codon 606 of the SCN10A protein (p.Arg606Gln). This variant is present in population databases (rs367548480, gnomAD 0.02%). This variant has not been reported in the literature in individuals affected with SCN10A-related conditions. ClinVar contains an entry for this variant (Variation ID: 937704). Invitae Evidence Modeling of protein sequence and biophysical properties (such as structural, functional, and spatial information, amino acid conservation, physicochemical variation, residue mobility, and thermodynamic stability) indicates that this missense variant is not expected to disrupt SCN10A protein function with a negative predictive value of 80%. In summary, the available evidence is currently insufficient to determine the role of this variant in disease. Therefore, it has been classified as a Variant of Uncertain Significance.

GeneDx
Classification: Uncertain significance. Last evaluated: 2024-03-13. Review status: criteria provided, single submitter. Criteria: GeneDx Variant Classification Process June 2021. Collection method: clinical testing. Allele origin: germline. Affected: yes.
Comment: Has not been previously published as pathogenic or benign to our knowledge; Not observed at a significant frequency in large population cohorts (gnomAD); In silico analysis supports that this missense variant does not alter protein structure/function

Ambry Genetics
Classification: Likely benign for Cardiovascular phenotype. Last evaluated: 2022-05-27. Review status: criteria provided, single submitter. Criteria: Ambry Variant Classification Scheme 2023. Collection method: clinical testing. Allele origin: germline.